The following is an entry in ClinVar:

ClinVar aggregate classification (germline): Likely benign. Review status: criteria provided, multiple submitters, no conflicts (2 of 4 stars). 2 submissions from 2 submitters: Likely benign (2). Last evaluated 2025-11-12.

Conditions:
Pyogenic arthritis-pyoderma gangrenosum-acne syndrome (PAPA). Also called: FAMILIAL RECURRENT ARTHRITIS; PAPA SYNDROME. Identifiers: Orphanet 69126, MedGen C1858361, MONDO:0011462, OMIM 604416.

Allele frequency attached by ClinVar (database versions not stated): ExAC below 0.00001; gnomAD 0.00001; gnomAD exomes 0.00001; TOPMed 0.00003; 1000 Genomes Project 30x 0.00016.
gnomAD v4.1: 7 of 1,573,490 alleles (0.00044%); highest among the groups gnomAD compares: Admixed American, 0.0037%; no homozygotes.

Submissions (2):

Labcorp Genetics (formerly Invitae), Labcorp
Classification: Likely benign for Pyogenic arthritis-pyoderma gangrenosum-acne syndrome. Last evaluated: 2025-11-12. Review status: criteria provided, single submitter. Criteria: Invitae Variant Classification Sherloc (09022015). Collection method: clinical testing. Allele origin: germline.

GeneDx
Classification: Likely benign. Last evaluated: 2016-03-22. Review status: criteria provided, single submitter. Criteria: GeneDx Variant Classification (06012015). Collection method: clinical testing. Allele origin: germline. Affected: yes.
Comment: This variant is considered likely benign or benign based on one or more of the following criteria: it is a conservative change, it occurs at a poorly conserved position in the protein, it is predicted to be benign by multiple in silico algorithms, and/or has population frequency not consistent with disease.

NM_003978.5(PSTPIP1):c.138-6T>C

Gene: PSTPIP1 (proline-serine-threonine phosphatase interacting protein 1; plus strand). Cytogenetic location: 15q24.3.
Variant type: single nucleotide variant.
Coding change: c.138-6T>C on transcript NM_003978.5 (MANE Select); 6 bases into the intron before coding-DNA position 138, T replaced by C.
Molecular consequence: intron variant.
Genome position (GRCh38, 1-based): chr15:77,018,451, T>C. VCF-style: chr15-77018451-T-C. GRCh37 (hg19) VCF-style: chr15-77310792-T-C.
Other names: c.138-6T>C (LRG_172t1, NM_001321135.2); c.333-6T>C (NM_001321137.1); c.111-6T>C (NM_001321136.2).
Identifiers: ClinVar variation 245664 (VCV000245664.6), dbSNP rs765550656, ClinGen allele CA7675720.